The following is an entry in ClinVar:

ClinVar aggregate classification (germline): Likely pathogenic (1 of 4 stars; one submission).

Conditions:
Autosomal recessive limb-girdle muscular dystrophy type 2J (LGMDR10). Also called: Limb-girdle muscular dystrophy, type 2J; MUSCULAR DYSTROPHY, LIMB-GIRDLE, AUTOSOMAL RECESSIVE 10. Identifiers: Orphanet 140922, MedGen C1837342, MONDO:0012127, OMIM 608807.
Dilated cardiomyopathy 1G (CMD1G). Identifiers: Orphanet 154, MedGen C1858763, MONDO:0011400, OMIM 604145.

gnomAD v4.1: 2 of 1,613,924 alleles (0.00012%); highest among the groups gnomAD compares: Non-Finnish European, 0.00017%; no homozygotes.

Submission:

Labcorp Genetics (formerly Invitae), Labcorp
Classification: Likely pathogenic for Dilated cardiomyopathy 1G; Autosomal recessive limb-girdle muscular dystrophy type 2J. Last evaluated: 2025-05-09. Review status: criteria provided, single submitter. Criteria: Invitae Variant Classification Sherloc (09022015). Collection method: clinical testing. Allele origin: germline.
Comment: This sequence change creates a premature translational stop signal (p.Glu34601*) in the TTN gene. While this is not anticipated to result in nonsense mediated decay, it is expected to create a truncated TTN protein. This variant is not present in population databases (gnomAD no frequency). This premature translational stop signal has been observed in individual(s) with nonischemic cardiomyopathy (internal data). This variant is located in the M band of TTN (PMID: 25589632). Truncating variants in this region have been previously reported in individuals affected with autosomal dominant or autosomal recessive myopathy and muscular dystrophy (PMID: 18948003, 23975875, 24395473). Truncating variants in this region have also been identified in individuals affected with autosomal dominant dilated cardiomyopathy and/or cardio-related conditions (PMID: 27869827, 32964742, internal data). In summary, the currently available evidence indicates that the variant is pathogenic, but additional data are needed to prove that conclusively. Therefore, this variant has been classified as Likely Pathogenic.

Literature cited by the submitters: PubMed 25589632; PubMed 18948003; PubMed 23975875; PubMed 24395473; PubMed 27869827; PubMed 32964742.

NM_001267550.2(TTN):c.103801G>T (p.Glu34601Ter)

Genes: TTN (titin; minus strand), TTN-AS1 (TTN antisense RNA 1; plus strand). Cytogenetic location: 2q31.2.
Variant type: single nucleotide variant.
Coding change: c.103801G>T on transcript NM_001267550.2 (MANE Select); coding-DNA position 103801, G replaced by T.
Protein change: p.Glu34601Ter; replaces glutamic acid 34601 with a stop codon.
Molecular consequence: nonsense.
Genome position (GRCh38, 1-based): chr2:178,532,814, C>A on the plus strand (G>T on the coding strand, the complement: TTN is on the minus strand). VCF-style: chr2-178532814-C-A. GRCh37 (hg19) VCF-style: chr2-179397541-C-A.
Other names: c.98878G>T, p.Glu32960Ter (NM_001256850.1); c.76606G>T, p.Glu25536Ter (NM_003319.4); c.96097G>T, p.Glu32033Ter (NM_133378.4); c.76981G>T, p.Glu25661Ter (NM_133432.3); c.77182G>T, p.Glu25728Ter (NM_133437.4); short protein forms E25536*, E34601*, E25728*, E32033*, E32960*, E25661*.
Identifiers: ClinVar variation 4784953 (VCV004784953.1).